The following is an entry in ClinVar:

ClinVar aggregate classification (germline): Pathogenic (1 of 4 stars; one submission).

Conditions:
Sialic acid storage disease, severe infantile type (ISSD). Also called: INFANTILE SIALIC ACID STORAGE DISORDER; N-ACETYLNEURAMINIC ACID STORAGE DISEASE; NANA STORAGE DISEASE; SIALURIA, INFANTILE FORM; Infantile Sialic Acid Storage Disease; Free sialic acid storage disease, infantile form. Identifiers: Orphanet 309324, Orphanet 834, MedGen C1096902, MONDO:0010027, OMIM 269920.

Submission:

Myriad Genetics, Inc.
Classification: Pathogenic for Sialic acid storage disease, severe infantile type. Last evaluated: 2025-11-13. Review status: criteria provided, single submitter. Criteria: Myriad Autosomal Dominant, Autosomal Recessive and X-Linked Classification Criteria (2023). Collection method: clinical testing. Allele origin: unknown.
Comment: NM_012434.4(SLC17A5):c.682delT(Y228Mfs*20) is expected to be pathogenic in the context of free sialic acid storage disorders. This variant is predicted to lead to an abnormal or absent protein product due to the creation of a premature termination codon in SLC17A5, a gene where loss-of-function variants are known to be pathogenic. Please note: this variant was assessed in the context of healthy population screening.

NM_012434.5(SLC17A5):c.682del (p.Tyr228fs)

Gene: SLC17A5 (solute carrier family 17 member 5; minus strand). Cytogenetic location: 6q13.
Variant type: Deletion.
Coding change: c.682del on transcript NM_012434.5 (MANE Select); coding-DNA position 682, one base deleted (T; older notation c.682delT).
Protein change: p.Tyr228fs; shifts the reading frame from tyrosine 228.
Molecular consequence: frameshift variant. On other transcripts: intron variant (2).
Genome position (GRCh38, 1-based): chr6:73,636,639, A deleted on the plus strand (T on the coding strand, the reverse complement: SLC17A5 is on the minus strand); the first of 2 consecutive A bases (chr6:73,636,639-73,636,640); deleting either gives the same sequence. VCF-style (leftmost placement, unchanged base first): chr6-73636638-TA-T. GRCh37 (hg19) VCF-style: chr6-74346361-TA-T.
Other names: c.451del, p.Tyr151fs (NM_001382629.1); c.682del, p.Tyr228fs (NM_001382630.1, NM_001382633.1, NM_001382634.1); c.703del, p.Tyr235fs (NM_001382631.1); c.679del, p.Tyr227fs (NM_001382635.1); c.383-1139del (NM_001382636.1); c.614-1139del (NM_001382632.1); short protein forms Y151fs, Y227fs, Y228fs, Y235fs.
Identifiers: ClinVar variation 5015215 (VCV005015215.1).